The following is an entry in ClinVar:

ClinVar aggregate classification (germline): Uncertain significance. Review status: criteria provided, multiple submitters, no conflicts (2 of 4 stars). 2 submissions from 2 submitters: Uncertain significance (2). Last evaluated 2024-11-27.

Conditions:
Distal myopathy with posterior leg and anterior hand involvement. Also called: WILLIAMS DISTAL MYOPATHY. Identifiers: Orphanet 63273, MedGen C3279722, MONDO:0013550, OMIM 614065.
Hypertrophic cardiomyopathy 26. Also called: Cardiomyopathy, familial hypertrophic, 26. Identifiers: Orphanet 75249, MedGen C4310749, MONDO:0014883, OMIM 617047.
Myofibrillar myopathy 5. Also called: Filaminopathy (type); FILAMINOPATHY, AUTOSOMAL DOMINANT. Identifiers: Orphanet 171445, MedGen C1836050, MONDO:0012289, OMIM 609524.
Cardiovascular phenotype. Identifiers: MedGen CN230736.

gnomAD v4.1: 3 of 1,602,884 alleles (0.00019%); highest among the groups gnomAD compares: Non-Finnish European, 0.00026%; no homozygotes.

Submissions (2):

Ambry Genetics
Classification: Uncertain significance for Cardiovascular phenotype. Last evaluated: 2024-11-27. Review status: criteria provided, single submitter. Criteria: Ambry Variant Classification Scheme 2023. Collection method: clinical testing. Allele origin: germline.
Comment: The p.A208D variant (also known as c.623C>A), located in coding exon 3 of the FLNC gene, results from a C to A substitution at nucleotide position 623. The alanine at codon 208 is replaced by aspartic acid, an amino acid with dissimilar properties. This amino acid position is conserved. In addition, this alteration is predicted to be tolerated by in silico analysis. Based on the available evidence, the clinical significance of this variant remains unclear.

Labcorp Genetics (formerly Invitae), Labcorp
Classification: Uncertain significance for Distal myopathy with posterior leg and anterior hand involvement; Myofibrillar myopathy 5; Hypertrophic cardiomyopathy 26. Last evaluated: 2024-10-15. Review status: criteria provided, single submitter. Criteria: Invitae Variant Classification Sherloc (09022015). Collection method: clinical testing. Allele origin: germline.
Comment: This sequence change replaces alanine, which is neutral and non-polar, with aspartic acid, which is acidic and polar, at codon 208 of the FLNC protein (p.Ala208Asp). The frequency data for this variant in the population databases is considered unreliable, as metrics indicate poor data quality at this position in the gnomAD database. This variant has not been reported in the literature in individuals affected with FLNC-related conditions. Invitae Evidence Modeling of protein sequence and biophysical properties (such as structural, functional, and spatial information, amino acid conservation, physicochemical variation, residue mobility, and thermodynamic stability) has been performed for this missense variant. However, the output from this modeling did not meet the statistical confidence thresholds required to predict the impact of this variant on FLNC protein function. In summary, the available evidence is currently insufficient to determine the role of this variant in disease. Therefore, it has been classified as a Variant of Uncertain Significance.

NM_001458.5(FLNC):c.623C>A (p.Ala208Asp)

Gene: FLNC (filamin C; plus strand). Cytogenetic location: 7q32.1.
Variant type: single nucleotide variant.
Coding change: c.623C>A on transcript NM_001458.5 (MANE Select); coding-DNA position 623, C replaced by A.
Protein change: p.Ala208Asp; replaces alanine 208 with aspartic acid.
Molecular consequence: missense variant.
Genome position (GRCh38, 1-based): chr7:128,837,181, C>A. VCF-style: chr7-128837181-C-A. GRCh37 (hg19) VCF-style: chr7-128477235-C-A.
Other names: c.623C>A, p.Ala208Asp (NM_001127487.2); short protein forms A208D.
Identifiers: ClinVar variation 3515929 (VCV003515929.3).
Genomic context (GRCh38, chr7:128,837,181, plus strand): 5'-GCTGCCCCTCACCATCGTCTCCCTCCATCACCTCTCCAGGTCTCTGCCCCGACTGGGAGG[C>A]CTGGGACCCCAACCAGCCCGTGGAGAACGCCCGGGAGGCCATGCAGCAGGCCGACGACTG-3'
Protein context (NP_001449.3, residues 198-218): CAPGLCPDWE[Ala208Asp]WDPNQPVENA